The following is an entry in ClinVar:

NM_001013838.3(CARMIL2):c.687+13G>A

Gene: CARMIL2 (capping protein regulator and myosin 1 linker 2; plus strand). Cytogenetic location: 16q22.1.
Variant type: single nucleotide variant.
Coding change: c.687+13G>A on transcript NM_001013838.3 (MANE Select); 13 bases into the intron after coding-DNA position 687, G replaced by A.
Molecular consequence: intron variant.
Genome position (GRCh38, 1-based): chr16:67,647,204, G>A. VCF-style: chr16-67647204-G-A. GRCh37 (hg19) VCF-style: chr16-67681107-G-A.
Other names: c.687+13G>A (NM_001438835.1, NM_001438244.1, NM_001317026.3).
Identifiers: ClinVar variation 4766652 (VCV004766652.1).
Genomic context (GRCh38, chr16:67,647,204, plus strand): 5'-TCCTACAACCTGTGGTTCCGGTGCCTCTCCTGTGTGGACATGAAGCTGGTGAGGGGGTTC[G>A]GGGTAAGGGCAGGGAGGGGCCAAGGGTGTGGGCCAGGGTGCAGCCCGCTGAGGGCCAGGG-3'

ClinVar aggregate classification (germline): Uncertain significance (1 of 4 stars; one submission).

Submission:

Labcorp Genetics (formerly Invitae), Labcorp
Classification: Uncertain significance. Last evaluated: 2025-12-15. Review status: criteria provided, single submitter. Criteria: Invitae Variant Classification Sherloc (09022015). Collection method: clinical testing. Allele origin: germline.
Comment: This sequence change falls in intron 9 of the CARMIL2 gene. It does not directly change the encoded amino acid sequence of the CARMIL2 protein. This variant is present in population databases (rs375416421, gnomAD 0.006%). This variant has not been reported in the literature in individuals affected with CARMIL2-related conditions. Algorithms developed to predict the effect of sequence changes on RNA splicing suggest that this variant may create or strengthen a splice site. In summary, the available evidence is currently insufficient to determine the role of this variant in disease. Therefore, it has been classified as a Variant of Uncertain Significance.